The following is an entry in ClinVar:

NM_004999.4(MYO6):c.2863C>T (p.Arg955Trp)

Gene: MYO6 (myosin VI; plus strand). Cytogenetic location: 6q14.1.
Variant type: single nucleotide variant.
Coding change: c.2863C>T on transcript NM_004999.4 (MANE Select); coding-DNA position 2863, C replaced by T.
Protein change: p.Arg955Trp; replaces arginine 955 with tryptophan.
Molecular consequence: missense variant. On other transcripts: non-coding transcript variant (1).
Genome position (GRCh38, 1-based): chr6:75,890,261, C>T. VCF-style: chr6-75890261-C-T. GRCh37 (hg19) VCF-style: chr6-76599978-C-T.
Other names: c.2863C>T, p.Arg955Trp (NM_001300899.2, NM_001368136.1, NM_001368137.1 and 2 more transcripts); c.2848C>T, p.Arg950Trp (NM_001368138.1); short protein forms R950W, R955W.
Identifiers: ClinVar variation 2499018 (VCV002499018.29), dbSNP rs1185813203, ClinGen allele CA364777285.

ClinVar aggregate classification (germline): Conflicting classifications of pathogenicity. Review status: criteria provided, conflicting classifications (1 of 4 stars). 2 submissions from 2 submitters: Likely pathogenic (1); Uncertain significance (1). Last evaluated 2025-01-09.

Conditions:
Autosomal recessive nonsyndromic hearing loss 37. Identifiers: Orphanet 90636, MedGen C1843028, MONDO:0011912, OMIM 607821.

Allele frequency attached by ClinVar (database versions not stated): gnomAD exomes below 0.00001; gnomAD 0.00001.
gnomAD v4.1: 4 of 1,613,298 alleles (0.00025%); highest among the groups gnomAD compares: East Asian, 0.0022%; no homozygotes.

Submissions (2):

Institute of Rare Diseases, West China Hospital, Sichuan University
Classification: Likely pathogenic for Autosomal recessive nonsyndromic hearing loss 37. Last evaluated: 2025-01-09. Review status: criteria provided, single submitter. Criteria: ClinGen HL ACMG Specifications v1. Collection method: research. Allele origin: germline. Affected: yes.
Comment: PM3_Strong;PM2_Supporting;PP3

CeGaT Center for Human Genetics Tuebingen
Classification: Uncertain significance. Last evaluated: 2023-01-01. Review status: criteria provided, single submitter. Criteria: CeGaT Center For Human Genetics Tuebingen Variant Classification Criteria Version 2. Collection method: clinical testing. Allele origin: germline. Affected: yes. Observed: 1 variant allele.
Comment: MYO6: PM2, PM3:Supporting, PP3